The following is an entry in ClinVar:

ClinVar aggregate classification (germline): Uncertain significance. Review status: criteria provided, multiple submitters, no conflicts (2 of 4 stars). 2 submissions from 2 submitters: Uncertain significance (2). Last evaluated 2024-08-20.

Conditions:
Colorectal cancer. Also called: Colorectal cancer, somatic; Malignant Colorectal Neoplasm. Identifiers: MedGen C0346629, MONDO:0005575, OMIM 114500.

gnomAD v4.1: 138 of 1,613,928 alleles (0.0086%); highest among the groups gnomAD compares: Middle Eastern, 0.017%; no homozygotes.

Submissions (2):

Labcorp Genetics (formerly Invitae), Labcorp
Classification: Uncertain significance. Last evaluated: 2024-08-20. Review status: criteria provided, single submitter. Criteria: Invitae Variant Classification Sherloc (09022015). Collection method: clinical testing. Allele origin: germline.
Comment: This sequence change replaces arginine, which is basic and polar, with glutamine, which is neutral and polar, at codon 1292 of the DLC1 protein (p.Arg1292Gln). This variant is present in population databases (rs200504821, gnomAD 0.01%). This variant has not been reported in the literature in individuals affected with DLC1-related conditions. An algorithm developed to predict the effect of missense changes on protein structure and function (PolyPhen-2) suggests that this variant is likely to be tolerated. In summary, the available evidence is currently insufficient to determine the role of this variant in disease. Therefore, it has been classified as a Variant of Uncertain Significance.

Fulgent Genetics
Classification: Uncertain significance for Colorectal cancer. Last evaluated: 2024-05-15. Review status: criteria provided, single submitter. Criteria: ACMG Guidelines, 2015. Collection method: clinical testing. Allele origin: germline.

NM_182643.3(DLC1):c.3875G>A (p.Arg1292Gln)

Genes: DLC1 (DLC1 Rho GTPase activating protein; minus strand), LOC126860305 (MED14-independent group 3 enhancer GRCh37_chr8:12947375-12948574; plus strand). Cytogenetic location: 8p22.
Variant type: single nucleotide variant.
Coding change: c.3875G>A on transcript NM_182643.3 (MANE Select); coding-DNA position 3875, G replaced by A.
Protein change: p.Arg1292Gln; replaces arginine 1292 with glutamine.
Molecular consequence: missense variant. On other transcripts: intron variant (2).
Genome position (GRCh38, 1-based): chr8:13,090,451, C>T on the plus strand (G>A on the coding strand, the complement: DLC1 is on the minus strand). VCF-style: chr8-13090451-C-T. GRCh37 (hg19) VCF-style: chr8-12947960-C-T.
Other names: c.2342G>A, p.Arg781Gln (NM_001164271.2, NM_001348082.2, NM_001348083.1 and 6 more transcripts); c.2666G>A, p.Arg889Gln (NM_001316668.2); c.3875G>A, p.Arg1292Gln (NM_001348081.2, NM_001413124.1); c.2657G>A, p.Arg886Gln (NM_001413130.1); c.2315G>A, p.Arg772Gln (NM_001413131.1, NM_001413137.1); c.2801G>A, p.Arg934Gln (NM_001413132.1); c.2564G>A, p.Arg855Gln (NM_001413135.1, NM_001413139.1, NM_006094.5); c.2699G>A, p.Arg900Gln (NM_001413140.1); and 2 more; short protein forms R772Q, R855Q, R900Q, R781Q, R886Q, R1292Q, R889Q, R934Q.
Identifiers: ClinVar variation 3595079 (VCV003595079.3).